The following is an entry in ClinVar:

ClinVar aggregate classification (germline): Uncertain significance (1 of 4 stars; one submission).

Conditions:
Spondylodysplastic Ehlers-Danlos syndrome. Identifiers: Orphanet 536471, Orphanet 75496, MedGen C5680154, MONDO:0007526.

Submission:

Labcorp Genetics (formerly Invitae), Labcorp
Classification: Uncertain significance for Spondylodysplastic Ehlers-Danlos syndrome. Last evaluated: 2022-08-21. Review status: criteria provided, single submitter. Criteria: Invitae Variant Classification Sherloc (09022015). Collection method: clinical testing. Allele origin: germline.
Comment: Variants that disrupt the consensus splice site are a relatively common cause of aberrant splicing (PMID: 17576681, 9536098). Algorithms developed to predict the effect of sequence changes on RNA splicing suggest that this variant is not likely to affect RNA splicing. In summary, the available evidence is currently insufficient to determine the role of this variant in disease. Therefore, it has been classified as a Variant of Uncertain Significance. This variant has not been reported in the literature in individuals affected with B4GALT7-related conditions. This variant is not present in population databases (gnomAD no frequency). This sequence change falls in intron 3 of the B4GALT7 gene. It does not directly change the encoded amino acid sequence of the B4GALT7 protein. It affects a nucleotide within the consensus splice site.

Literature cited by the submitters: PubMed 17576681; PubMed 9536098.

NM_007255.3(B4GALT7):c.639+6G>T

Gene: B4GALT7 (beta-1,4-galactosyltransferase 7; plus strand). Cytogenetic location: 5q35.3.
Variant type: single nucleotide variant.
Coding change: c.639+6G>T on transcript NM_007255.3 (MANE Select); 6 bases into the intron after coding-DNA position 639, G replaced by T.
Molecular consequence: intron variant.
Genome position (GRCh38, 1-based): chr5:177,607,533, G>T. VCF-style: chr5-177607533-G-T. GRCh37 (hg19) VCF-style: chr5-177034534-G-T.
Identifiers: ClinVar variation 2177781 (VCV002177781.4), dbSNP rs2532536198, ClinGen allele CA2578500249.